The following is an entry in ClinVar:

ClinVar aggregate classification (germline): Pathogenic (1 of 4 stars; one submission).

Conditions:
COG7 congenital disorder of glycosylation (CDG2E). Also called: CONGENITAL DISORDER OF GLYCOSYLATION, TYPE IIe; CDG IIe. Identifiers: Orphanet 79333, MedGen C2931010, MONDO:0012118, OMIM 608779.

Submission:

Labcorp Genetics (formerly Invitae), Labcorp
Classification: Pathogenic for COG7 congenital disorder of glycosylation. Last evaluated: 2025-11-18. Review status: criteria provided, single submitter. Criteria: Invitae Variant Classification Sherloc (09022015). Collection method: clinical testing. Allele origin: germline.
Comment: This sequence change creates a premature translational stop signal (p.Ser558*) in the COG7 gene. It is expected to result in an absent or disrupted protein product. Loss-of-function variants in COG7 are known to be pathogenic (PMID: 21811164). This variant is not present in population databases (gnomAD no frequency). This variant has not been reported in the literature in individuals affected with COG7-related conditions. For these reasons, this variant has been classified as Pathogenic.

Literature cited by the submitters: PubMed 21811164.

NM_153603.4(COG7):c.1673C>A (p.Ser558Ter)

Gene: COG7 (component of oligomeric golgi complex 7; minus strand). Cytogenetic location: 16p12.2.
Variant type: single nucleotide variant.
Coding change: c.1673C>A on transcript NM_153603.4 (MANE Select); coding-DNA position 1673, C replaced by A.
Protein change: p.Ser558Ter; replaces serine 558 with a stop codon.
Molecular consequence: nonsense.
Genome position (GRCh38, 1-based): chr16:23,403,824, G>T on the plus strand (C>A on the coding strand, the complement: COG7 is on the minus strand). VCF-style: chr16-23403824-G-T. GRCh37 (hg19) VCF-style: chr16-23415145-G-T.
Other names: short protein forms S558*.
Identifiers: ClinVar variation 4730928 (VCV004730928.1).